The following is an entry in ClinVar:

NM_014264.5(PLK4):c.2531C>T (p.Ser844Phe)

Gene: PLK4 (polo like kinase 4; plus strand). Cytogenetic location: 4q28.1.
Variant type: single nucleotide variant.
Coding change: c.2531C>T on transcript NM_014264.5 (MANE Select); coding-DNA position 2531, C replaced by T.
Protein change: p.Ser844Phe; replaces serine 844 with phenylalanine.
Molecular consequence: missense variant.
Genome position (GRCh38, 1-based): chr4:127,893,850, C>T. VCF-style: chr4-127893850-C-T. GRCh37 (hg19) VCF-style: chr4-128815005-C-T.
Other names: c.2435C>T, p.Ser812Phe (NM_001190799.2); c.2408C>T, p.Ser803Phe (NM_001190801.2); short protein forms S812F, S844F, S803F.
Identifiers: ClinVar variation 1929744 (VCV001929744.2), dbSNP rs763395766, ClinGen allele CA3077085.

ClinVar aggregate classification (germline): Uncertain significance (1 of 4 stars; one submission).

Allele frequency attached by ClinVar (database versions not stated): gnomAD exomes below 0.00001; TOPMed below 0.00001; ExAC 0.00001.
gnomAD v4.1: 2 of 1,599,966 alleles (0.00013%); highest among the groups gnomAD compares: African/African-American, 0.0013%; no homozygotes.

Submission:

Labcorp Genetics (formerly Invitae), Labcorp
Classification: Uncertain significance. Last evaluated: 2022-05-29. Review status: criteria provided, single submitter. Criteria: Invitae Variant Classification Sherloc (09022015). Collection method: clinical testing. Allele origin: germline.
Comment: This sequence change replaces serine, which is neutral and polar, with phenylalanine, which is neutral and non-polar, at codon 844 of the PLK4 protein (p.Ser844Phe). This variant is present in population databases (rs763395766, gnomAD 0.02%). This variant has not been reported in the literature in individuals affected with PLK4-related conditions. Algorithms developed to predict the effect of missense changes on protein structure and function output the following: SIFT: "Tolerated"; PolyPhen-2: "Benign"; Align-GVGD: "Class C0". The phenylalanine amino acid residue is found in multiple mammalian species, which suggests that this missense change does not adversely affect protein function. In summary, the available evidence is currently insufficient to determine the role of this variant in disease. Therefore, it has been classified as a Variant of Uncertain Significance.